The following is an entry in ClinVar:

ClinVar aggregate classification (germline): Uncertain significance (1 of 4 stars; one submission).

Conditions:
Hereditary hyperekplexia. Identifiers: Orphanet 3197, MedGen C4084968, MONDO:0021022.

Submission:

Labcorp Genetics (formerly Invitae), Labcorp
Classification: Uncertain significance for Hereditary hyperekplexia. Last evaluated: 2023-04-25. Review status: criteria provided, single submitter. Criteria: Invitae Variant Classification Sherloc (09022015). Collection method: clinical testing. Allele origin: unknown.
Comment: In summary, the available evidence is currently insufficient to determine the role of this variant in disease. Therefore, it has been classified as a Variant of Uncertain Significance. This variant has not been reported in the literature in individuals affected with GLRA1-related conditions. This variant results in a copy number gain of the genomic region encompassing exon(s) 1-3 of the GLRA1 gene. This region includes the initiator codon of the gene. This copy number gain extends beyond the assayed region for this gene and therefore may encompass additional genes. As the precise location of this event is unknown, it may be in tandem or it may be located elsewhere in the genome.

NC_000005.9:g.(?_151266262)_(151304110_?)dup

Gene: GLRA1 (glycine receptor alpha 1; minus strand). Cytogenetic location: 5q33.1.
Variant type: Duplication.
Identifiers: ClinVar variation 3246327 (VCV003246327.1).